The following is an entry in ClinVar:

NM_006610.4(MASP2):c.1087+8_1087+10del

Gene: MASP2 (MBL associated serine protease 2; minus strand). Cytogenetic location: 1p36.22.
Variant type: Deletion.
Coding change: c.1087+8_1087+10del on transcript NM_006610.4 (MANE Select); bases 8 to 10 of the intron after coding-DNA position 1087, 3 bases deleted (CGT; older notation c.1087+8_1087+10delCGT).
Molecular consequence: intron variant.
Genome position (GRCh38, 1-based): chr1:11,034,818-11,034,820, ACG deleted on the plus strand (CGT on the coding strand, the reverse complement: MASP2 is on the minus strand); deleting any 3 consecutive bases within chr1:11,034,818-11,034,822 gives the same sequence; the c. name uses the placement nearest the transcript's 3' end. VCF-style (leftmost placement, unchanged base first): chr1-11034817-CACG-C. GRCh37 (hg19) VCF-style: chr1-11094874-CACG-C.
Identifiers: ClinVar variation 2632022 (VCV002632022.2), dbSNP rs534547943, ClinGen allele CA586813.

ClinVar aggregate classification (germline): Likely benign (1 of 4 stars; one submission).

Conditions:
MASP2-related disorder. Also called: MASP2-related condition.

Submission:

PreventionGenetics, part of Exact Sciences
Classification: Likely benign for MASP2-related condition. Last evaluated: 2026-09-04. Review status: criteria provided, single submitter. Criteria: ACMG Guidelines, 2015. Collection method: clinical testing. Allele origin: germline.
Comment: This variant is classified as likely benign based on ACMG/AMP sequence variant interpretation guidelines (Richards et al. 2015 PMID: 25741868, with internal and published modifications).